The following is an entry in ClinVar:

ClinVar aggregate classification (germline): Uncertain significance. Review status: criteria provided, multiple submitters, no conflicts (2 of 4 stars). 4 submissions from 4 submitters: Uncertain significance (4). Last evaluated 2026-05-26.

Conditions:
Hereditary cancer-predisposing syndrome. Also called: Neoplastic Syndromes, Hereditary; Tumor predisposition; Hereditary Cancer Syndrome; Hereditary neoplastic syndrome. Identifiers: Orphanet 140162, MedGen C0027672, MeSH D009386, MONDO:0015356.
Fanconi anemia (FA). Also called: Fanconi's anemia. Identifiers: Orphanet 84, MedGen C0015625, MeSH D005199, MONDO:0019391.
Fanconi anemia complementation group C (FANCC). Also called: Fanconi anemia, group C; FANCC-Related Fanconi Anemia; FANCONI PANCYTOPENIA, TYPE 3; FACC. Identifiers: Orphanet 84, MedGen C3468041, MONDO:0009213, OMIM 227645.

Allele frequency attached by ClinVar (database versions not stated): gnomAD exomes 0.00001; TOPMed 0.00002.
gnomAD v4.1: 8 of 1,613,242 alleles (0.0005%); highest among the groups gnomAD compares: Non-Finnish European, 0.00068%; no homozygotes.

Submissions (4):

Myriad Genetics, Inc.
Classification: Uncertain significance for Fanconi anemia complementation group C. Last evaluated: 2026-05-26. Review status: criteria provided, single submitter. Criteria: Myriad Autosomal Dominant, Autosomal Recessive and X-Linked Classification Criteria (2023). Collection method: clinical testing. Allele origin: unknown.
Comment: NM_000136.2(FANCC):c.998T>C(L333P) is a missense variant classified as a variant of uncertain significance in the context of Fanconi anemia, FANCC-related. L333P has not been observed in cases with relevant disease. Relevant functional assessments of this variant are not available in the literature. L333P has been observed in referenced population frequency databases. In summary, there is insufficient evidence to classify NM_000136.2(FANCC):c.998T>C(L333P) as pathogenic or benign. Please note: this variant was assessed in the context of healthy population screening.

Ambry Genetics
Classification: Uncertain significance for Hereditary cancer-predisposing syndrome. Last evaluated: 2025-08-01. Review status: criteria provided, single submitter. Criteria: Ambry Variant Classification Scheme 2023. Collection method: clinical testing. Allele origin: germline.
Comment: The p.L333P variant (also known as c.998T>C), located in coding exon 10 of the FANCC gene, results from a T to C substitution at nucleotide position 998. The leucine at codon 333 is replaced by proline, an amino acid with similar properties. This amino acid position is poorly conserved in available vertebrate species. In addition, this alteration is predicted to be tolerated by in silico analysis. Since supporting evidence is limited at this time, the clinical significance of this alteration remains unclear.

Labcorp Genetics (formerly Invitae), Labcorp
Classification: Uncertain significance for Fanconi anemia. Last evaluated: 2024-05-08. Review status: criteria provided, single submitter. Criteria: Invitae Variant Classification Sherloc (09022015). Collection method: clinical testing. Allele origin: germline.
Comment: This sequence change replaces leucine, which is neutral and non-polar, with proline, which is neutral and non-polar, at codon 333 of the FANCC protein (p.Leu333Pro). This variant is present in population databases (no rsID available, gnomAD 0.002%). This variant has not been reported in the literature in individuals affected with FANCC-related conditions. ClinVar contains an entry for this variant (Variation ID: 219639). Algorithms developed to predict the effect of missense changes on protein structure and function output the following: SIFT: "Not Available"; PolyPhen-2: "Benign"; Align-GVGD: "Not Available". The proline amino acid residue is found in multiple mammalian species, which suggests that this missense change does not adversely affect protein function. In summary, the available evidence is currently insufficient to determine the role of this variant in disease. Therefore, it has been classified as a Variant of Uncertain Significance.

Baylor Genetics
Classification: Uncertain significance for Fanconi anemia complementation group C. Last evaluated: 2018-09-07. Review status: criteria provided, single submitter. Criteria: ACMG Guidelines, 2015. Collection method: clinical testing. Allele origin: paternal. Affected: yes.
Comment: This variant was determined to be of uncertain significance according to ACMG Guidelines, 2015 [PMID:25741868].

NM_000136.3(FANCC):c.998T>C (p.Leu333Pro)

Genes: AOPEP (aminopeptidase O (putative); plus strand), FANCC (FA complementation group C; minus strand). Cytogenetic location: 9q22.32.
Variant type: single nucleotide variant.
Coding change: c.998T>C on transcript NM_000136.3 (MANE Select); coding-DNA position 998, T replaced by C.
Protein change: p.Leu333Pro; replaces leucine 333 with proline.
Molecular consequence: missense variant.
Genome position (GRCh38, 1-based): chr9:95,117,389, A>G on the plus strand (T>C on the coding strand, the complement: FANCC is on the minus strand). VCF-style: chr9-95117389-A-G. GRCh37 (hg19) VCF-style: chr9-97879671-A-G.
Other names: c.998T>C, p.Leu333Pro (NM_001243743.2, NM_001243744.2); short protein forms L333P.
Identifiers: ClinVar variation 219639 (VCV000219639.13), dbSNP rs864622191, ClinGen allele CA348656.
Genomic context (GRCh38, chr9:95,117,389, plus strand): 5'-AGCAGCACCATGGCAAGAGATGGAGAAGTGTAAGGAAAGTAGGTCTTGAGTGCAAACCGC[A>G]GCTGCCACAGGATGGAAAATCCAAAGAGCATGAACATTAAGATTGAAACGGGGTCAGGAA-3'
Protein context (NP_000127.2, residues 323-343): VEALEKASKQ[Leu333Pro]RFALKTYFPY